The following is an entry in ClinVar:

ClinVar aggregate classification (germline): Likely pathogenic (1 of 4 stars; one submission).

Conditions:
Neurofibromatosis, type 1 (NF1). Also called: VON RECKLINGHAUSEN DISEASE; NEUROFIBROMATOSIS, TYPE I, SOMATIC; Peripheral type neurofibromatosis; Neurofibromatosis, type I. Identifiers: Orphanet 636, MedGen C0027831, MONDO:0018975, OMIM 162200. Disease mechanism: loss of function.

Submission:

Neuberg Centre For Genomic Medicine, NCGM
Classification: Likely pathogenic for Neurofibromatosis, type 1. Review status: criteria provided, single submitter. Criteria: ACMG Guidelines, 2015. Collection method: clinical testing. Allele origin: germline. Inheritance: Autosomal dominant inheritance. Affected: yes.
Comment: The frame shift variant has not been reported previously as a pathogenic variant nor as a benign variant, to our knowledge. The p.His2099GlnfsTer21 variant is novel (not in any individuals) in gnomAD Exomes and is novel (not in any individuals) in 1000 Genomes. This variant causes a frameshift starting with codon Histidine 2099, changes this amino acid to Glutamine residue, and creates a premature Stop codon at position 21 of the new reading frame, denoted p.His2099GlnfsTer21.This variant is predicted to cause loss of normal protein function through protein truncation. For these reasons, this variant has been classified as Likely Pathogenic.

NM_001042492.3(NF1):c.6296dup (p.His2099fs)

Gene: NF1 (neurofibromin 1; plus strand). Cytogenetic location: 17q11.2.
Variant type: Duplication.
Coding change: c.6296dup on transcript NM_001042492.3 (MANE Select); coding-DNA position 6296, one base duplicated (A; older notation c.6296dupA).
Protein change: p.His2099fs; shifts the reading frame from histidine 2099.
Molecular consequence: frameshift variant.
Genome position (GRCh38, 1-based): chr17:31,336,783, A duplicated. VCF-style (leftmost placement, unchanged base first): chr17-31336782-C-CA. GRCh37 (hg19) VCF-style: chr17-29663800-C-CA.
Other names: c.6233dup, p.His2078Glnfs (NM_000267.4); short protein forms H2078fs, H2099fs.
Identifiers: ClinVar variation 2585271 (VCV002585271.1), dbSNP rs2508749106, ClinGen allele CA2582342158.